The following is an entry in ClinVar:

NM_000368.5(TSC1):c.2648C>A (p.Ala883Asp)

Gene: TSC1 (TSC complex subunit 1; minus strand). Cytogenetic location: 9q34.13.
Variant type: single nucleotide variant.
Coding change: c.2648C>A on transcript NM_000368.5 (MANE Select); coding-DNA position 2648, C replaced by A.
Protein change: p.Ala883Asp; replaces alanine 883 with aspartic acid.
Molecular consequence: missense variant. On other transcripts: non-coding transcript variant (5).
Genome position (GRCh38, 1-based): chr9:132,897,588, G>T on the plus strand (C>A on the coding strand, the complement: TSC1 is on the minus strand). VCF-style: chr9-132897588-G-T. GRCh37 (hg19) VCF-style: chr9-135772975-G-T.
Other names: c.2282C>A, p.Ala761Asp (NM_001406620.1, NM_001406621.1, NM_001406622.1 and 1 more transcripts); c.2243C>A, p.Ala748Asp (NM_001406624.1); c.2240C>A, p.Ala747Asp (NM_001406625.1); c.1697C>A, p.Ala566Asp (NM_001406626.1); c.1694C>A, p.Ala565Asp (NM_001406627.1, NM_001406628.1); c.1595C>A, p.Ala532Asp (NM_001406629.1, NM_001406630.1); c.2633C>A, p.Ala878Asp (NM_001406601.1, NM_001406602.1); c.2630C>A, p.Ala877Asp (NM_001406603.1, NM_001406604.1); and 8 more; short protein forms A566D, A878D, A565D, A761D, A762D, A869D, A882D, A532D.
Identifiers: ClinVar variation 4709612 (VCV004709612.1).

ClinVar aggregate classification (germline): Uncertain significance (1 of 4 stars; one submission).

Conditions:
Tuberous sclerosis 1 (TSC1). Identifiers: Orphanet 805, MedGen C1854465, MONDO:0008612, OMIM 191100.

Submission:

Labcorp Genetics (formerly Invitae), Labcorp
Classification: Uncertain significance for Tuberous sclerosis 1. Last evaluated: 2025-05-06. Review status: criteria provided, single submitter. Criteria: Invitae Variant Classification Sherloc (09022015). Collection method: clinical testing. Allele origin: germline.
Comment: This sequence change replaces alanine, which is neutral and non-polar, with aspartic acid, which is acidic and polar, at codon 883 of the TSC1 protein (p.Ala883Asp). This variant is not present in population databases (gnomAD no frequency). This variant has not been reported in the literature in individuals affected with TSC1-related conditions. Invitae Evidence Modeling of protein sequence and biophysical properties (such as structural, functional, and spatial information, amino acid conservation, physicochemical variation, residue mobility, and thermodynamic stability) indicates that this missense variant is not expected to disrupt TSC1 protein function with a negative predictive value of 95%. In summary, the available evidence is currently insufficient to determine the role of this variant in disease. Therefore, it has been classified as a Variant of Uncertain Significance.